The following is an entry in ClinVar:

NM_002907.4(RECQL):c.1426G>C (p.Asp476His)

Gene: RECQL (RecQ like helicase; minus strand). Cytogenetic location: 12p12.1.
Variant type: single nucleotide variant.
Coding change: c.1426G>C on transcript NM_002907.4 (MANE Select); coding-DNA position 1426, G replaced by C.
Protein change: p.Asp476His; replaces aspartic acid 476 with histidine.
Molecular consequence: missense variant.
Genome position (GRCh38, 1-based): chr12:21,473,572, C>G on the plus strand (G>C on the coding strand, the complement: RECQL is on the minus strand). VCF-style: chr12-21473572-C-G. GRCh37 (hg19) VCF-style: chr12-21626506-C-G.
Other names: c.1426G>C, p.Asp476His (NM_032941.3); short protein forms D476H.
Identifiers: ClinVar variation 2446918 (VCV002446918.4), dbSNP rs200259739, ClinGen allele CA384117334.

ClinVar aggregate classification (germline): Uncertain significance (1 of 4 stars; one submission).

Submission:

Ambry Genetics
Classification: Uncertain significance. Last evaluated: 2025-10-09. Review status: criteria provided, single submitter. Criteria: Ambry Variant Classification Scheme 2023. Collection method: clinical testing. Allele origin: germline.
Comment: The p.D476H variant (also known as c.1426G>C), located in coding exon 11 of the RECQL gene, results from a G to C substitution at nucleotide position 1426. The aspartic acid at codon 476 is replaced by histidine, an amino acid with similar properties. This amino acid position is conserved. In addition, this alteration is predicted to be deleterious by in silico analysis. Since supporting evidence is limited at this time, the clinical significance of this alteration remains unclear.